The following is an entry in ClinVar:

ClinVar aggregate classification (germline): Likely pathogenic. Review status: criteria provided, multiple submitters, no conflicts (2 of 4 stars). 3 submissions from 3 submitters: Likely pathogenic (3). Last evaluated 2025-09-10.

Conditions:
Tyrosinemia type II (TYRSN2). Also called: KERATOSIS PALMOPLANTARIS WITH CORNEAL DYSTROPHY; OREGON TYPE TYROSINEMIA; TAT DEFICIENCY; TYROSINE AMINOTRANSFERASE DEFICIENCY; TYROSINE TRANSAMINASE DEFICIENCY. Identifiers: Orphanet 28378, MedGen C0268487, MONDO:0010160, OMIM 276600.

Allele frequency attached by ClinVar (database versions not stated): TOPMed 0.00001.

Submissions (3):

Genomic Medicine Center of Excellence, King Faisal Specialist Hospital and Research Centre
Classification: Likely pathogenic for Tyrosinemia type II. Last evaluated: 2025-09-10. Review status: criteria provided, single submitter. Criteria: ACMG Guidelines, 2015. Collection method: clinical testing. Allele origin: germline.

Labcorp Genetics (formerly Invitae), Labcorp
Classification: Likely pathogenic for Tyrosinemia type II. Last evaluated: 2023-06-16. Review status: criteria provided, single submitter. Criteria: Invitae Variant Classification Sherloc (09022015). Collection method: clinical testing. Allele origin: germline.
Comment: In summary, the currently available evidence indicates that the variant is pathogenic, but additional data are needed to prove that conclusively. Therefore, this variant has been classified as Likely Pathogenic. Advanced modeling of protein sequence and biophysical properties (such as structural, functional, and spatial information, amino acid conservation, physicochemical variation, residue mobility, and thermodynamic stability) performed at Invitae indicates that this missense variant is expected to disrupt TAT protein function. ClinVar contains an entry for this variant (Variation ID: 432002). This missense change has been observed in individual(s) with tyrosinemia (PMID: 16574453, 23954227). This variant is not present in population databases (gnomAD no frequency). This sequence change replaces cysteine, which is neutral and slightly polar, with tyrosine, which is neutral and polar, at codon 151 of the TAT protein (p.Cys151Tyr).

GeneDx
Classification: Likely pathogenic. Last evaluated: 2016-03-28. Review status: criteria provided, single submitter. Criteria: GeneDx Variant Classification (06012015). Collection method: clinical testing. Allele origin: germline. Affected: yes.
Comment: The C151Y variant has previously been reported in association with tyrosinemia type II in two consanguineous families from Tunisia (Charfeddine et al., 2006; Bouyacoub et al., 2013). The C151Y variant is a non-conservative amino acid substitution, which is likely to impact secondary protein structure as these residues differ in polarity, charge, size and/or other properties. Although, this substitution occurs at a position that is not conserved, in silico analysis predicts this variant is probably damaging to the protein structure/function. Therefore, this variant is likely pathogenic; however, the possibility that it is benign cannot be excluded.

Literature cited by the submitters: PubMed 16574453 (cited by Labcorp Genetics (formerly Invitae), Labcorp); PubMed 23954227 (cited by Labcorp Genetics (formerly Invitae), Labcorp).

NM_000353.3(TAT):c.452G>A (p.Cys151Tyr)

Genes: TAT (tyrosine aminotransferase; minus strand), LOC111413029 (BRD4-independent group 4 enhancer GRCh37_chr16:71605697-71606896; plus strand). Cytogenetic location: 16q22.2.
Variant type: single nucleotide variant.
Coding change: c.452G>A on transcript NM_000353.3 (MANE Select); coding-DNA position 452, G replaced by A.
Protein change: p.Cys151Tyr; replaces cysteine 151 with tyrosine.
Molecular consequence: missense variant.
Genome position (GRCh38, 1-based): chr16:71,572,645, C>T on the plus strand (G>A on the coding strand, the complement: TAT is on the minus strand). VCF-style: chr16-71572645-C-T. GRCh37 (hg19) VCF-style: chr16-71606548-C-T.
Other names: short protein forms C151Y.
Identifiers: ClinVar variation 432002 (VCV000432002.6), dbSNP rs1357257156, ClinGen allele CA396653365.